The following is an entry in ClinVar:

NM_001034853.2(RPGR):c.151A>G (p.Thr51Ala)

Gene: RPGR (retinitis pigmentosa GTPase regulator; minus strand). Cytogenetic location: Xp11.4.
Variant type: single nucleotide variant.
Coding change: c.151A>G on transcript NM_001034853.2 (MANE Select); coding-DNA position 151, A replaced by G.
Protein change: p.Thr51Ala; replaces threonine 51 with alanine.
Molecular consequence: missense variant. On other transcripts: non-coding transcript variant (6).
Genome position (GRCh38, 1-based): chrX:38,323,402, T>C on the plus strand (A>G on the coding strand, the complement: RPGR is on the minus strand). VCF-style: chrX-38323402-T-C. GRCh37 (hg19) VCF-style: chrX-38182655-T-C.
Other names: c.151A>G, p.Thr51Ala (NM_000328.3, NM_001367245.1, NM_001367246.1 and 4 more transcripts); c.181A>G, p.Thr61Ala (NM_001367248.1); short protein forms T51A, T61A.
Identifiers: ClinVar variation 2430227 (VCV002430227.5), dbSNP rs757275147, ClinGen allele CA10385731.

ClinVar aggregate classification (germline): Uncertain significance. Review status: criteria provided, multiple submitters, no conflicts (2 of 4 stars). 2 submissions from 2 submitters: Uncertain significance (2). Last evaluated 2023-08-04.

Conditions:
Primary ciliary dyskinesia. Also called: Ciliary dyskinesia. Identifiers: Orphanet 244, MedGen C0008780, MONDO:0016575, HP:0012265.

Allele frequency attached by ClinVar (database versions not stated): gnomAD exomes 0.00001; ExAC 0.00003.
gnomAD v4.1: 8 of 1,205,080 alleles (0.00066%); highest among the groups gnomAD compares: Non-Finnish European, 0.0009%; no homozygotes.

Submissions (2):

Labcorp Genetics (formerly Invitae), Labcorp
Classification: Uncertain significance for Primary ciliary dyskinesia. Last evaluated: 2023-08-04. Review status: criteria provided, single submitter. Criteria: Invitae Variant Classification Sherloc (09022015). Collection method: clinical testing. Allele origin: germline.
Comment: This sequence change replaces threonine, which is neutral and polar, with alanine, which is neutral and non-polar, at codon 51 of the RPGR protein (p.Thr51Ala). The frequency data for this variant in the population databases is considered unreliable, as metrics indicate poor data quality at this position in the gnomAD database. This variant has not been reported in the literature in individuals affected with RPGR-related conditions. ClinVar contains an entry for this variant (Variation ID: 2430227). Advanced modeling of protein sequence and biophysical properties (such as structural, functional, and spatial information, amino acid conservation, physicochemical variation, residue mobility, and thermodynamic stability) performed at Invitae indicates that this missense variant is not expected to disrupt RPGR protein function. In summary, the available evidence is currently insufficient to determine the role of this variant in disease. Therefore, it has been classified as a Variant of Uncertain Significance.

PreventionGenetics, part of Exact Sciences
Classification: Uncertain significance. Last evaluated: 2018-09-17. Review status: criteria provided, single submitter. Criteria: ACMG Guidelines, 2015. Collection method: clinical testing. Allele origin: germline.